The following is an entry in ClinVar:

NM_000098.3(CPT2):c.340+1G>C

Gene: CPT2 (carnitine palmitoyltransferase 2; plus strand). Cytogenetic location: 1p32.3.
Variant type: single nucleotide variant.
Coding change: c.340+1G>C on transcript NM_000098.3 (MANE Select); the canonical splice donor site of the intron after coding-DNA position 340, G replaced by C.
Molecular consequence: splice donor variant.
Genome position (GRCh38, 1-based): chr1:53,202,430, G>C. VCF-style: chr1-53202430-G-C. GRCh37 (hg19) VCF-style: chr1-53668102-G-C.
Other names: c.340+1G>C (NM_001330589.2).
Identifiers: ClinVar variation 2632349 (VCV002632349.4), dbSNP rs2100261957, ClinGen allele CA340389857.

ClinVar aggregate classification (germline): Pathogenic/Likely pathogenic. Review status: criteria provided, multiple submitters, no conflicts (2 of 4 stars). 2 submissions from 2 submitters: Pathogenic (1); Likely pathogenic (1). Last evaluated 2023-06-21.

Conditions:
CPT2-related disorder. Also called: CPT2-related condition.
Carnitine palmitoyltransferase II deficiency. Also called: Carnitine Palmitoyltransferase 2 Deficiency. Identifiers: Orphanet 157, MedGen C0342790, MONDO:0015515.

Submissions (2):

PreventionGenetics, part of Exact Sciences
Classification: Pathogenic for CPT2-related condition. Last evaluated: 2023-06-21. Review status: criteria provided, single submitter. Criteria: ACMG Guidelines, 2015. Collection method: clinical testing. Allele origin: germline.
Comment: The CPT2 c.340+1G>C variant is predicted to disrupt the GT donor site and interfere with normal splicing. To our knowledge, this variant has not been reported in the literature or in a large population database, indicating this variant is rare. However, another variant affecting this nucleotide has been reported, in the compound heterozygous state, in a patient with CPT2 deficiency (c.340+1G>A, Joshi et al. 2013. PubMed ID: 23475205). Variants that disrupt the consensus splice donor site in CPT2 are expected to be pathogenic. This variant is interpreted as pathogenic.

Labcorp Genetics (formerly Invitae), Labcorp
Classification: Likely pathogenic for Carnitine palmitoyltransferase II deficiency. Last evaluated: 2023-04-20. Review status: criteria provided, single submitter. Criteria: Invitae Variant Classification Sherloc (09022015). Collection method: clinical testing. Allele origin: germline.
Comment: In summary, the currently available evidence indicates that the variant is pathogenic, but additional data are needed to prove that conclusively. Therefore, this variant has been classified as Likely Pathogenic. This sequence change affects a donor splice site in intron 3 of the CPT2 gene. RNA analysis indicates that disruption of this splice site induces altered splicing and may result in an absent or disrupted protein product. This variant is not present in population databases (gnomAD no frequency). Disruption of this splice site has been observed in individual(s) with carnitine palmitoyltransferase II deficiency (PMID: 23475205). Studies have shown that disruption of this splice site results in skipping of exon 3 and introduces a premature termination codon (PMID: 23475205). The resulting mRNA is expected to undergo nonsense-mediated decay.

Literature cited by the submitters: PubMed 23475205 (cited by Labcorp Genetics (formerly Invitae), Labcorp).